The following is an entry in ClinVar:

NM_001129.5(AEBP1):c.1161dup (p.Ile388fs)

Gene: AEBP1 (AE binding protein 1; plus strand). Cytogenetic location: 7p13.
Variant type: Duplication.
Coding change: c.1161dup on transcript NM_001129.5 (MANE Select); coding-DNA position 1161, one base duplicated (C; older notation c.1161dupC).
Protein change: p.Ile388fs; shifts the reading frame from isoleucine 388.
Molecular consequence: frameshift variant.
Genome position (GRCh38, 1-based): chr7:44,110,025, C duplicated; the last of 6 consecutive C bases (chr7:44,110,020-44,110,025); duplicating any one gives the same sequence. VCF-style (leftmost placement, unchanged base first): chr7-44110019-T-TC. GRCh37 (hg19) VCF-style: chr7-44149618-T-TC.
Other names: short protein forms I388fs.
Identifiers: ClinVar variation 4729564 (VCV004729564.1).

ClinVar aggregate classification (germline): Pathogenic (1 of 4 stars; one submission).

Submission:

Labcorp Genetics (formerly Invitae), Labcorp
Classification: Pathogenic. Last evaluated: 2025-10-21. Review status: criteria provided, single submitter. Criteria: Invitae Variant Classification Sherloc (09022015). Collection method: clinical testing. Allele origin: germline.
Comment: This sequence change creates a premature translational stop signal (p.Ile388Hisfs*9) in the AEBP1 gene. It is expected to result in an absent or disrupted protein product. Loss-of-function variants in AEBP1 are known to be pathogenic (PMID: 29606302). This variant is present in population databases (rs780326187, gnomAD 0.0009%). This variant has not been reported in the literature in individuals affected with AEBP1-related conditions. For these reasons, this variant has been classified as Pathogenic.

Literature cited by the submitters: PubMed 29606302.